The following is an entry in ClinVar:

ClinVar aggregate classification (germline): Conflicting classifications of pathogenicity. Review status: criteria provided, conflicting classifications (1 of 4 stars). 2 submissions from 2 submitters: Uncertain significance (1); Likely benign (1). Last evaluated 2025-10-13.

Conditions:
Congenital contractural arachnodactyly (CCA). Also called: BEALS SYNDROME; Beals-Hecht syndrome; Arthrogryposis, distal, type 9. Identifiers: Orphanet 115, MedGen C0220668, MONDO:0007363, OMIM 121050.

Allele frequency attached by ClinVar (database versions not stated): ExAC 0.00003; gnomAD 0.00004; gnomAD exomes 0.00004; TOPMed 0.00005; ESP Exome Variant Server 0.00008.
gnomAD v4.1: 24 of 1,613,850 alleles (0.0015%); highest among the groups gnomAD compares: Admixed American, 0.028%; no homozygotes.

Submissions (2):

Labcorp Genetics (formerly Invitae), Labcorp
Classification: Likely benign for Congenital contractural arachnodactyly. Last evaluated: 2025-10-13. Review status: criteria provided, single submitter. Criteria: Invitae Variant Classification Sherloc (09022015). Collection method: clinical testing. Allele origin: germline.

GeneDx
Classification: Uncertain significance. Last evaluated: 2021-03-31. Review status: criteria provided, single submitter. Criteria: GeneDx Variant Classification Process June 2021. Collection method: clinical testing. Allele origin: germline. Affected: yes.
Comment: Has not been previously published as pathogenic or benign to our knowledge; Reported in ClinVar but additional evidence is not available (ClinVar Variant ID #855987; Landrum et al., 2016); In silico analysis supports that this missense variant has a deleterious effect on protein structure/function; This variant is associated with the following publications: (PMID: 30439581)

NM_001999.4(FBN2):c.4297C>T (p.Arg1433Cys)

Gene: FBN2 (fibrillin 2; minus strand). Cytogenetic location: 5q23.3.
Variant type: single nucleotide variant.
Coding change: c.4297C>T on transcript NM_001999.4 (MANE Select); coding-DNA position 4297, C replaced by T.
Protein change: p.Arg1433Cys; replaces arginine 1433 with cysteine.
Molecular consequence: missense variant.
Genome position (GRCh38, 1-based): chr5:128,330,621, G>A on the plus strand (C>T on the coding strand, the complement: FBN2 is on the minus strand). VCF-style: chr5-128330621-G-A. GRCh37 (hg19) VCF-style: chr5-127666313-G-A.
Other names: short protein forms R1433C.
Identifiers: ClinVar variation 855987 (VCV000855987.11), dbSNP rs374493286, ClinGen allele CA3395009.
Genomic context (GRCh38, chr5:128,330,621, plus strand): 5'-ACTGTCACCCACCTGAGCAGGTAAAGCCATCACCAGTGAAACCTTCGGAGCAGGCACAGC[G>A]GTATGAGCCCGGGGTATTTACACACTGAGCATTGATGCTACACTGGTGGGTTCCATTAGA-3'
Protein context (NP_001990.2, residues 1423-1443): AQCVNTPGSY[Arg1433Cys]CACSEGFTGD